The following is an entry in ClinVar:

NM_022114.4(PRDM16):c.994G>T (p.Asp332Tyr)

Gene: PRDM16 (PR/SET domain 16; plus strand). Cytogenetic location: 1p36.32.
Variant type: single nucleotide variant.
Coding change: c.994G>T on transcript NM_022114.4 (MANE Select); coding-DNA position 994, G replaced by T.
Protein change: p.Asp332Tyr; replaces aspartic acid 332 with tyrosine.
Molecular consequence: missense variant.
Genome position (GRCh38, 1-based): chr1:3,404,848, G>T. VCF-style: chr1-3404848-G-T. GRCh37 (hg19) VCF-style: chr1-3321412-G-T.
Other names: c.994G>T, p.Asp332Tyr (NM_199454.3); short protein forms D332Y.
Identifiers: ClinVar variation 1375171 (VCV001375171.7), dbSNP rs372445366, ClinGen allele CA338005002.

ClinVar aggregate classification (germline): Uncertain significance. Review status: criteria provided, multiple submitters, no conflicts (2 of 4 stars). 2 submissions from 2 submitters: Uncertain significance (2). Last evaluated 2022-10-04.

Conditions:
Left ventricular noncompaction 8 (LVNC8). Identifiers: Orphanet 154, Orphanet 54260, MedGen C3809288, MONDO:0014152, OMIM 615373.

gnomAD v4.1: 3 of 1,613,460 alleles (0.00019%); highest among the groups gnomAD compares: Non-Finnish European, 0.00025%; no homozygotes.

Submissions (2):

Blueprint Genetics
Classification: Uncertain significance. Last evaluated: 2022-10-04. Review status: criteria provided, single submitter. Criteria: ACMG Guidelines, 2015. Collection method: clinical testing. Allele origin: germline.

Labcorp Genetics (formerly Invitae), Labcorp
Classification: Uncertain significance for Left ventricular noncompaction 8. Last evaluated: 2022-06-13. Review status: criteria provided, single submitter. Criteria: Invitae Variant Classification Sherloc (09022015). Collection method: clinical testing. Allele origin: germline.
Comment: In summary, the available evidence is currently insufficient to determine the role of this variant in disease. Therefore, it has been classified as a Variant of Uncertain Significance. Algorithms developed to predict the effect of missense changes on protein structure and function are either unavailable or do not agree on the potential impact of this missense change (SIFT: "Deleterious"; PolyPhen-2: "Benign"; Align-GVGD: "Class C0"). This variant has not been reported in the literature in individuals affected with PRDM16-related conditions. This variant is present in population databases (no rsID available, gnomAD 0.0009%). This sequence change replaces aspartic acid, which is acidic and polar, with tyrosine, which is neutral and polar, at codon 332 of the PRDM16 protein (p.Asp332Tyr).